The following is an entry in ClinVar:

ClinVar aggregate classification (germline): Uncertain significance. Review status: criteria provided, multiple submitters, no conflicts (2 of 4 stars). 2 submissions from 2 submitters: Uncertain significance (2). Last evaluated 2026-05-05.

Conditions:
Inborn genetic diseases. Identifiers: MedGen C0950123, MeSH D030342.

gnomAD v4.1: 36 of 1,601,496 alleles (0.0022%); highest among the groups gnomAD compares: Admixed American, 0.0033%; no homozygotes.

Submissions (2):

Women's Health and Genetics/Laboratory Corporation of America, LabCorp
Classification: Uncertain significance. Last evaluated: 2026-05-05. Review status: criteria provided, single submitter. Criteria: LabCorp Variant Classification Summary - May 2015. Collection method: clinical testing. Allele origin: germline.
Comment: Variant summary: PKD1 c.3122C>T (p.Ala1041Val) results in a non-conservative amino acid change in the encoded protein sequence. Algorithms developed to predict the effect of missense changes on protein structure and function are either unavailable or do not agree on the potential impact of this missense change. The variant allele was found at a frequency of 2.1e-05 in 242380 control chromosomes. The available data on variant occurrences in the general population are insufficient to allow any conclusion about variant significance. To our knowledge, no occurrence of c.3122C>T in individuals affected with PKD1-related conditions and no experimental evidence demonstrating its impact on protein function have been reported. ClinVar contains an entry for this variant (Variation ID: 3932790). Based on the evidence outlined above, the variant was classified as uncertain significance.

Ambry Genetics
Classification: Uncertain significance for Inborn genetic diseases. Last evaluated: 2025-06-09. Review status: criteria provided, single submitter. Criteria: Ambry Variant Classification Scheme 2023. Collection method: clinical testing. Allele origin: germline.

NM_001009944.3(PKD1):c.3122C>T (p.Ala1041Val)

Gene: PKD1 (polycystin 1, transient receptor potential channel interacting; minus strand). Cytogenetic location: 16p13.3.
Variant type: single nucleotide variant.
Coding change: c.3122C>T on transcript NM_001009944.3 (MANE Select); coding-DNA position 3122, C replaced by T.
Protein change: p.Ala1041Val; replaces alanine 1041 with valine.
Molecular consequence: missense variant.
Genome position (GRCh38, 1-based): chr16:2,112,827, G>A on the plus strand (C>T on the coding strand, the complement: PKD1 is on the minus strand). VCF-style: chr16-2112827-G-A. GRCh37 (hg19) VCF-style: chr16-2162828-G-A.
Other names: c.3122C>T, p.Ala1041Val (NM_000296.4); short protein forms A1041V.
Identifiers: ClinVar variation 3932790 (VCV003932790.2).